The following is an entry in ClinVar:

NM_004959.5(NR5A1):c.42dup (p.Val15fs)

Gene: NR5A1 (nuclear receptor subfamily 5 group A member 1; minus strand). Cytogenetic location: 9q33.3.
Variant type: Duplication.
Coding change: c.42dup on transcript NM_004959.5 (MANE Select); coding-DNA position 42, one base duplicated (C; older notation c.42dupC).
Protein change: p.Val15fs; shifts the reading frame from valine 15.
Molecular consequence: frameshift variant.
Genome position (GRCh38, 1-based): chr9:124,503,354, G duplicated on the plus strand (C on the coding strand, the reverse complement: NR5A1 is on the minus strand); the first of 4 consecutive G bases (chr9:124,503,354-124,503,357); duplicating any one gives the same sequence. VCF-style (leftmost placement, unchanged base first): chr9-124503353-C-CG. GRCh37 (hg19) VCF-style: chr9-127265632-C-CG.
Other names: short protein forms V15fs.
Identifiers: ClinVar variation 5043484 (VCV005043484.1).

ClinVar aggregate classification (germline): Likely pathogenic (1 of 4 stars; one submission).

Conditions:
Disorder of sexual differentiation. Also called: Disorder of sex development; Difference of sexual differentiation. Identifiers: Orphanet 90771, MedGen C2930619, MONDO:0002145.

Submission:

MVZ Martinsried, Medicover Genetics
Classification: Likely pathogenic for Disorder of sex development. Last evaluated: 2026-01-16. Review status: criteria provided, single submitter. Criteria: ClinGen Variant Curation SOP V3.2 + Classification Guidance July2025. Collection method: clinical testing. Allele origin: unknown. Affected: yes. Observed: 1 heterozygote.
Comment: PVS1, PM2_Supporting